The following is an entry in ClinVar:

ClinVar aggregate classification (germline): Uncertain significance (1 of 4 stars; one submission).

Conditions:
Ullrich congenital muscular dystrophy 2 (UCMD2). Identifiers: Orphanet 75840, MedGen C4225314, MONDO:0014654, OMIM 616470.
Bethlem myopathy 2 (BTHLM2). Identifiers: Orphanet 536516, Orphanet 610, MedGen C4225313, MONDO:0034022, OMIM 616471.

Allele frequency attached by ClinVar (database versions not stated): gnomAD exomes below 0.00001; TOPMed below 0.00001; gnomAD 0.00001.
gnomAD v4.1: 4 of 1,613,834 alleles (0.00025%); highest among the groups gnomAD compares: Non-Finnish European, 0.00025%; no homozygotes.

Submission:

Labcorp Genetics (formerly Invitae), Labcorp
Classification: Uncertain significance for Bethlem myopathy 2; Ullrich congenital muscular dystrophy 2. Last evaluated: 2023-12-14. Review status: criteria provided, single submitter. Criteria: Invitae Variant Classification Sherloc (09022015). Collection method: clinical testing. Allele origin: germline.
Comment: This sequence change replaces isoleucine, which is neutral and non-polar, with valine, which is neutral and non-polar, at codon 1597 of the COL12A1 protein (p.Ile1597Val). This variant is present in population databases (no rsID available, gnomAD 0.0009%). This variant has not been reported in the literature in individuals affected with COL12A1-related conditions. ClinVar contains an entry for this variant (Variation ID: 939648). Advanced modeling of protein sequence and biophysical properties (such as structural, functional, and spatial information, amino acid conservation, physicochemical variation, residue mobility, and thermodynamic stability) performed at Invitae indicates that this missense variant is not expected to disrupt COL12A1 protein function with a negative predictive value of 80%. In summary, the available evidence is currently insufficient to determine the role of this variant in disease. Therefore, it has been classified as a Variant of Uncertain Significance.

NM_004370.6(COL12A1):c.4789A>G (p.Ile1597Val)

Gene: COL12A1 (collagen type XII alpha 1 chain; minus strand). Cytogenetic location: 6q13.
Variant type: single nucleotide variant.
Coding change: c.4789A>G on transcript NM_004370.6 (MANE Select); coding-DNA position 4789, A replaced by G.
Protein change: p.Ile1597Val; replaces isoleucine 1597 with valine.
Molecular consequence: missense variant.
Genome position (GRCh38, 1-based): chr6:75,143,290, T>C on the plus strand (A>G on the coding strand, the complement: COL12A1 is on the minus strand). VCF-style: chr6-75143290-T-C. GRCh37 (hg19) VCF-style: chr6-75853006-T-C.
Other names: c.1297A>G, p.Ile433Val (NM_080645.3); short protein forms I433V, I1597V.
Identifiers: ClinVar variation 939648 (VCV000939648.10), dbSNP rs1172593477, ClinGen allele CA364741962.